The following is an entry in ClinVar:

ClinVar aggregate classification (germline): Uncertain significance (1 of 4 stars; one submission).

gnomAD v4.1: 7 of 1,614,084 alleles (0.00043%); highest among the groups gnomAD compares: Non-Finnish European, 0.00059%; no homozygotes.

Submission:

Labcorp Genetics (formerly Invitae), Labcorp
Classification: Uncertain significance. Last evaluated: 2025-11-11. Review status: criteria provided, single submitter. Criteria: Invitae Variant Classification Sherloc (09022015). Collection method: clinical testing. Allele origin: germline.
Comment: This sequence change replaces leucine, which is neutral and non-polar, with proline, which is neutral and non-polar, at codon 157 of the SCARB1 protein (p.Leu157Pro). This variant is present in population databases (rs201701426, gnomAD 0.002%). This variant has not been reported in the literature in individuals affected with SCARB1-related conditions. Invitae Evidence Modeling of protein sequence and biophysical properties (such as structural, functional, and spatial information, amino acid conservation, physicochemical variation, residue mobility, and thermodynamic stability) indicates that this missense variant is not expected to disrupt SCARB1 protein function with a negative predictive value of 80%. In summary, the available evidence is currently insufficient to determine the role of this variant in disease. Therefore, it has been classified as a Variant of Uncertain Significance.

NM_005505.5(SCARB1):c.470T>C (p.Leu157Pro)

Gene: SCARB1 (scavenger receptor class B member 1; minus strand). Cytogenetic location: 12q24.31.
Variant type: single nucleotide variant.
Coding change: c.470T>C on transcript NM_005505.5 (MANE Select); coding-DNA position 470, T replaced by C.
Protein change: p.Leu157Pro; replaces leucine 157 with proline.
Molecular consequence: missense variant. On other transcripts: non-coding transcript variant (9).
Genome position (GRCh38, 1-based): chr12:124,814,362, A>G on the plus strand (T>C on the coding strand, the complement: SCARB1 is on the minus strand). VCF-style: chr12-124814362-A-G. GRCh37 (hg19) VCF-style: chr12-125298908-A-G.
Other names: c.470T>C, p.Leu157Pro (NM_001082959.2, NM_001367981.1, NM_001367983.1 and 6 more transcripts); c.347T>C, p.Leu116Pro (NM_001367982.1); short protein forms L157P, L116P.
Identifiers: ClinVar variation 4759783 (VCV004759783.1).